The following is an entry in ClinVar:

ClinVar aggregate classification (germline): Pathogenic/Likely pathogenic. Review status: criteria provided, multiple submitters, no conflicts (2 of 4 stars). 4 submissions from 4 submitters: Pathogenic (2); Likely pathogenic (1). 1 of the submissions does not count toward it. Last evaluated 2022-10-26.

Conditions:
Early-infantile DEE. Also called: Early infantile epileptic encephalopathy; Early infantile epileptic encephalopathy with suppression bursts; Ohtahara syndrome. Identifiers: Orphanet 1934, MedGen C0393706, MONDO:0800491.
Severe myoclonic epilepsy in infancy (DRVT). Also called: Dravet syndrome; DEVELOPMENTAL AND EPILEPTIC ENCEPHALOPATHY 6A; Severe Myoclonic Epilepsy in Infancy (SMEI); Epileptic encephalopathy, early infantile, 6 (Dravet syndrome); SEVERE MYOCLONIC EPILEPSY OF INFANCY. Identifiers: Orphanet 33069, MedGen C0751122, MONDO:0100135, OMIM 607208.

Submissions (4):

Cytogénomique, Hospices Civils de Lyon
Classification: Pathogenic. Last evaluated: 2022-10-26. Review status: criteria provided, single submitter. Criteria: ACMG Guidelines, 2015. Collection method: clinical testing. Allele origin: unknown. Affected: yes. Observed: 1 variant allele, 1 heterozygote.

Labcorp Genetics (formerly Invitae), Labcorp
Classification: Pathogenic for Early-infantile DEE. Last evaluated: 2018-11-07. Review status: criteria provided, single submitter. Criteria: Invitae Variant Classification Sherloc (09022015). Collection method: clinical testing. Allele origin: germline.
Comment: For these reasons, this variant has been classified as Pathogenic. This variant disrupts the p.Pro1451 amino acid residue in SCN1A. Other variant(s) that disrupt this residue have been observed in affected individuals (PMID: 21248271, 26096185), suggesting that it is a clinically significant residue. As a result, variants that disrupt this residue are likely to be causative of disease. Algorithms developed to predict the effect of missense changes on protein structure and function (SIFT, PolyPhen-2, Align-GVGD) all suggest that this variant is likely to be disruptive, but these predictions have not been confirmed by published functional studies and their clinical significance is uncertain. This variant has been observed to be de novo in an individual affected with severe myoclonic epilepsy in infancy (SMEI) also known as Dravet syndrome (PMID: 17054684). ClinVar contains an entry for this variant (Variation ID: 68544). This variant is not present in population databases (ExAC no frequency). This sequence change replaces proline with leucine at codon 1451 of the SCN1A protein (p.Pro1451Leu). The proline residue is highly conserved and there is a moderate physicochemical difference between proline and leucine.

NeuroMeGen, Hospital Clinico Santiago de Compostela
Classification: Likely pathogenic for Severe myoclonic epilepsy in infancy. Last evaluated: 2018-01-01. Review status: criteria provided, single submitter. Criteria: ACMG Guidelines, 2015. Collection method: clinical testing. Allele origin: de novo. Affected: yes. Observed: 1 heterozygote.

UniProtKB/Swiss-Prot
No classification provided. Condition: Severe myoclonic epilepsy in infancy. Review status: no classification provided. Collection method: not provided. Allele origin: unknown. Not counted in ClinVar's aggregate classification.

Literature cited by the submitters: PubMed 21248271 (cited by Labcorp Genetics (formerly Invitae), Labcorp); PubMed 26096185 (cited by Labcorp Genetics (formerly Invitae), Labcorp); PubMed 17054684 (cited by Labcorp Genetics (formerly Invitae), Labcorp).

NM_001165963.4(SCN1A):c.4352C>T (p.Pro1451Leu)

Genes: SCN1A (sodium voltage-gated channel alpha subunit 1; minus strand), LOC102724058 (uncharacterized LOC102724058; plus strand). Cytogenetic location: 2q24.3.
Variant type: single nucleotide variant.
Coding change: c.4352C>T on transcript NM_001165963.4 (MANE Select); coding-DNA position 4352, C replaced by T.
Protein change: p.Pro1451Leu; replaces proline 1451 with leucine.
Molecular consequence: missense variant. On other transcripts: non-coding transcript variant (1).
Genome position (GRCh38, 1-based): chr2:165,998,162, G>A on the plus strand (C>T on the coding strand, the complement: SCN1A is on the minus strand). VCF-style: chr2-165998162-G-A. GRCh37 (hg19) VCF-style: chr2-166854672-G-A.
Other names: c.4268C>T, p.Pro1423Leu (NM_001165964.3, NM_001353957.2, NM_001353958.2); c.4352C>T, p.Pro1451Leu (NM_001202435.3, NM_001353948.2); c.4319C>T, p.Pro1440Leu (NM_001353949.2, NM_001353950.2, NM_001353951.2 and 2 more transcripts); c.4316C>T, p.Pro1439Leu (NM_001353954.2, NM_001353955.2); c.4265C>T, p.Pro1422Leu (NM_001353960.2); c.1910C>T, p.Pro637Leu (NM_001353961.2); short protein forms P1440L, P1451L, P1439L, P1422L, P637L, P1423L.
Identifiers: ClinVar variation 68544 (VCV000068544.10), dbSNP rs121917945, ClinGen allele CA284961.